The following is an entry in ClinVar:

ClinVar aggregate classification (germline): Likely benign (1 of 4 stars; one submission).

Submission:

GeneDx
Classification: Likely benign. Last evaluated: 2018-03-01. Review status: criteria provided, single submitter. Criteria: GeneDx Variant Classification (06012015). Collection method: clinical testing. Allele origin: germline. Affected: yes.
Comment: This variant is considered likely benign or benign based on one or more of the following criteria: it is a conservative change, it occurs at a poorly conserved position in the protein, it is predicted to be benign by multiple in silico algorithms, and/or has population frequency not consistent with disease.

NM_001164508.2(NEB):c.14081C>A (p.Ala4694Asp)

Gene: NEB (nebulin; minus strand). Cytogenetic location: 2q23.3.
Variant type: single nucleotide variant.
Coding change: c.14081C>A on transcript NM_001164508.2 (MANE Select); coding-DNA position 14081, C replaced by A.
Protein change: p.Ala4694Asp; replaces alanine 4694 with aspartic acid.
Molecular consequence: missense variant. On other transcripts: intron variant (1).
Genome position (GRCh38, 1-based): chr2:151,596,974, G>T on the plus strand (C>A on the coding strand, the complement: NEB is on the minus strand). VCF-style: chr2-151596974-G-T. GRCh37 (hg19) VCF-style: chr2-152453488-G-T.
Other names: c.14081C>A, p.Ala4694Asp (NM_001164507.2, NM_001271208.2); c.11601+12835C>A (NM_004543.5); short protein forms A4694D.
Identifiers: ClinVar variation 515833 (VCV000515833.1), dbSNP rs1553861610, ClinGen allele CA348767226.